The following is an entry in ClinVar:

ClinVar aggregate classification (germline): Uncertain significance (1 of 4 stars; one submission).

Allele frequency attached by ClinVar (database versions not stated): gnomAD exomes below 0.00001.
gnomAD v4.1: 1 of 1,612,076 alleles (0.000062%); highest among the groups gnomAD compares: Non-Finnish European, 0.000085%; no homozygotes.

Submission:

Labcorp Genetics (formerly Invitae), Labcorp
Classification: Uncertain significance. Last evaluated: 2021-01-08. Review status: criteria provided, single submitter. Criteria: Invitae Variant Classification Sherloc (09022015). Collection method: clinical testing. Allele origin: germline.
Comment: This sequence change replaces serine with phenylalanine at codon 695 of the CEP78 protein (p.Ser695Phe). The serine residue is moderately conserved and there is a large physicochemical difference between serine and phenylalanine. This variant is not present in population databases (ExAC no frequency). This variant has not been reported in the literature in individuals with CEP78-related conditions. Algorithms developed to predict the effect of missense changes on protein structure and function are either unavailable or do not agree on the potential impact of this missense change (SIFT: "Tolerated"; PolyPhen-2: "Probably Damaging"; Align-GVGD: "Class C0"). In summary, the available evidence is currently insufficient to determine the role of this variant in disease. Therefore, it has been classified as a Variant of Uncertain Significance.

NM_001330691.3(CEP78):c.2081C>T (p.Ser694Phe)

Gene: CEP78 (centrosomal protein 78; plus strand). Cytogenetic location: 9q21.2.
Variant type: single nucleotide variant.
Coding change: c.2081C>T on transcript NM_001330691.3 (MANE Select); coding-DNA position 2081, C replaced by T.
Protein change: p.Ser694Phe; replaces serine 694 with phenylalanine.
Molecular consequence: missense variant.
Genome position (GRCh38, 1-based): chr9:78,266,677, C>T. VCF-style: chr9-78266677-C-T. GRCh37 (hg19) VCF-style: chr9-80881593-C-T.
Other names: c.2084C>T, p.Ser695Phe (NM_001098802.3, NM_001349839.2); c.2033C>T, p.Ser678Phe (NM_001330693.3, NM_001330694.2); c.2081C>T, p.Ser694Phe (NM_001349838.2); c.2036C>T, p.Ser679Phe (NM_001349840.2, NM_032171.3); short protein forms S679F, S694F, S695F, S678F.
Identifiers: ClinVar variation 1515339 (VCV001515339.8), dbSNP rs1236286966, ClinGen allele CA373867968.
Genomic context (GRCh38, chr9:78,266,677, plus strand): 5'-ATGCGACTTCTGGAACTGGAAGTCAAAGAAAAGAAGAGGAGTTGTCCAGAAATAGCAGAT[C>T]TTCTTCAGAGAAAAAGACCAAAACAGGTGAATATACCAAAAAACACTCTGATAAGCAACA-3'
Protein context (NP_001317620.1, residues 684-704): KEEELSRNSR[Ser694Phe]SSEKKTKTES